The following is an entry in ClinVar:

NM_001365951.3(KIF1B):c.578C>G (p.Ala193Gly)

Gene: KIF1B (kinesin family member 1B; plus strand). Cytogenetic location: 1p36.22.
Variant type: single nucleotide variant.
Coding change: c.578C>G on transcript NM_001365951.3 (MANE Select); coding-DNA position 578, C replaced by G.
Protein change: p.Ala193Gly; replaces alanine 193 with glycine.
Molecular consequence: missense variant.
Genome position (GRCh38, 1-based): chr1:10,267,528, C>G. VCF-style: chr1-10267528-C-G. GRCh37 (hg19) VCF-style: chr1-10327586-C-G.
Other names: c.578C>G, p.Ala193Gly (NM_001365952.1, NM_001365953.1, NM_015074.3 and 1 more transcripts); short protein forms A193G.
Identifiers: ClinVar variation 4543633 (VCV004543633.1).
Genomic context (GRCh38, chr1:10,267,528, plus strand): 5'-TTCTTGGACCCTATGTGGAGGATCTGTCCAAGTTGGCAGTTACTTCCTACACAGACATTG[C>G]TGACCTCATGGATGCTGGGAACAAAGCCAGGTATGGTAGGAAATAGAGTAATGACTGAGG-3'
Protein context (NP_001352880.1, residues 183-203): KLAVTSYTDI[Ala193Gly]DLMDAGNKAR

ClinVar aggregate classification (germline): Uncertain significance (1 of 4 stars; one submission).

Submission:

Ambry Genetics
Classification: Uncertain significance. Last evaluated: 2025-10-01. Review status: criteria provided, single submitter. Criteria: Ambry Variant Classification Scheme 2023. Collection method: clinical testing. Allele origin: germline.
Comment: The p.A193G variant (also known as c.578C>G), located in coding exon 5 of the KIF1B gene, results from a C to G substitution at nucleotide position 578. The alanine at codon 193 is replaced by glycine, an amino acid with similar properties. This amino acid position is conserved. In addition, the in silico prediction for this alteration is inconclusive. Based on the available evidence, the clinical significance of this variant remains unclear.